The following is an entry in ClinVar:

NM_000231.3(SGCG):c.101G>C (p.Arg34Pro)

Gene: SGCG (sarcoglycan gamma; plus strand). Cytogenetic location: 13q12.12.
Variant type: single nucleotide variant.
Coding change: c.101G>C on transcript NM_000231.3 (MANE Select); coding-DNA position 101, G replaced by C.
Protein change: p.Arg34Pro; replaces arginine 34 with proline.
Molecular consequence: missense variant.
Genome position (GRCh38, 1-based): chr13:23,203,795, G>C. VCF-style: chr13-23203795-G-C. GRCh37 (hg19) VCF-style: chr13-23777934-G-C.
Other names: NM_001378246.1:c.101G>C; c.155G>C, p.Arg52Pro (NM_001378244.1); c.101G>C, p.Arg34Pro (NM_001378245.1, NM_001378246.1); short protein forms R34P, R52P.
Identifiers: ClinVar variation 4849939 (VCV004849939.1).

ClinVar aggregate classification (germline): Likely pathogenic (3 of 4 stars; one submission).

Conditions:
Autosomal recessive limb-girdle muscular dystrophy. Identifiers: Orphanet 102015, MedGen C2931907, MONDO:0015152.

Submission:

ClinGen Limb Girdle Muscular Dystrophy Variant Curation Expert Panel, ClinGen
Classification: Likely pathogenic for Autosomal recessive limb-girdle muscular dystrophy. Last evaluated: 2026-04-29. Review status: reviewed by expert panel. Criteria: ClinGen LGMD VCEP ACMG Specifications SGCG V2.0.0. Collection method: curation. Allele origin: germline. Inheritance: Autosomal recessive inheritance.
Comment: The NM_000231.3: c.101G>C variant in SGCG is a missense variant predicted to cause substitution of arginine by proline at amino acid 34, p.(Arg34Pro). This variant has been detected in a homozygous state without reported consanguinity in one individual with progressive limb-girdle muscular dystrophy (0.5 pts, GRASP-LGMD Consortium internal data communication) (PM3_Supporting). This individual displayed both progressive limb girdle muscle weakness and significantly reduced gamma-sarcoglycan protein expression in skeletal muscle, which is highly specific for SGCG-related LGMD (PP4_Strong). This variant is absent from gnomAD v4.1.0 (PM2_Supporting). The computational predictor REVEL gives a score of 0.893, which is above the threshold of 0.7, evidence that correlates with impact to SGCG function (PP3). In summary, this variant meets the criteria to be classified as Likely Pathogenic for autosomal recessive limb girdle muscular dystrophy based on the ACMG/AMP criteria applied, as specified by the ClinGen LGMD VCEP (LGMD VCEP specifications version 2.0.0; 04/29/2026): PP4_Strong, PM3_Supporting, PM2_Supporting, PP3.